The following is an entry in ClinVar:

NM_032043.3(BRIP1):c.379+1G>A

Gene: BRIP1 (BRCA1 interacting DNA helicase 1; minus strand). Cytogenetic location: 17q23.2.
Variant type: single nucleotide variant.
Coding change: c.379+1G>A on transcript NM_032043.3 (MANE Select); the canonical splice donor site of the intron after coding-DNA position 379, G replaced by A.
Molecular consequence: splice donor variant.
Genome position (GRCh38, 1-based): chr17:61,857,057, C>T on the plus strand (G>A on the coding strand, the complement: BRIP1 is on the minus strand). VCF-style: chr17-61857057-C-T. GRCh37 (hg19) VCF-style: chr17-59934418-C-T.
Identifiers: ClinVar variation 629051 (VCV000629051.16), dbSNP rs1437158047, ClinGen allele CA400485258.
Genomic context (GRCh38, chr17:61,857,057, plus strand): 5'-AACAGTAATAATTAAGACTCTTATTACAGATATCAACTGACCCAGGCAAAATATAAATTA[C>T]CTTGACAAGTTGATGAAGTGCCATTTCTTTCAGAAGGTGGTGTGCTTGGATAGTTGAAAT-3'

ClinVar aggregate classification (germline): Likely pathogenic. Review status: criteria provided, multiple submitters, no conflicts (2 of 4 stars). 3 submissions from 3 submitters: Likely pathogenic (3). Last evaluated 2023-12-07.

Conditions:
Hereditary cancer-predisposing syndrome. Also called: Tumor predisposition; Neoplastic Syndromes, Hereditary; Hereditary Cancer Syndrome; Hereditary neoplastic syndrome. Identifiers: Orphanet 140162, MedGen C0027672, MeSH D009386, MONDO:0015356.
Familial cancer of breast. Also called: BREAST CANCER, FAMILIAL; Hereditary breast cancer; hereditary breast carcinoma. Identifiers: Orphanet 227535, MedGen C0346153, MONDO:0016419, OMIM 114480. Disease mechanism: loss of function.
Fanconi anemia complementation group J. Also called: BRIP1-Related Fanconi Anemia. Identifiers: Orphanet 84, MedGen C1836860, MONDO:0012187, OMIM 609054.

Submissions (3):

Ambry Genetics
Classification: Likely pathogenic for Hereditary cancer-predisposing syndrome. Last evaluated: 2023-12-07. Review status: criteria provided, single submitter. Criteria: Ambry Variant Classification Scheme 2023. Collection method: clinical testing. Allele origin: germline.
Comment: The c.379+1G>A intronic variant results from a G to A substitution one nucleotide after coding exon 3 of the BRIP1 gene. Alterations that disrupt the canonical splice site are expected to cause aberrant splicing, resulting in an abnormal protein or a transcript that is subject to nonsense-mediated mRNA decay. This nucleotide position is highly conserved in available vertebrate species. In silico splice site analysis predicts that this alteration will weaken the native splice donor site and will result in the creation or strengthening of a novel splice donor site; however, direct evidence is insufficient at this time (Ambry internal data). As such, this alteration is classified as likely pathogenic.

Color Diagnostics, LLC DBA Color Health
Classification: Likely pathogenic for Hereditary cancer-predisposing syndrome. Last evaluated: 2022-11-08. Review status: criteria provided, single submitter. Criteria: ACMG Guidelines, 2015. Collection method: clinical testing. Allele origin: germline.
Comment: This variant causes a G to A nucleotide substitution at the +1 position of intron 4 of the BRIP1 gene. Splice site prediction tools predict that this variant may have a significant impact on RNA splicing. Although this prediction has not been confirmed in published RNA studies, this variant is expected to result in an absent or disrupted protein product. This variant has not been reported in individuals affected with hereditary cancer in the literature. This variant has not been identified in the general population by the Genome Aggregation Database (gnomAD). A different variant occurring at the same position (c.379+1G>T) has been observed in an individual affected with ovarian cancer (PMID: 26315354). Loss of BRIP1 function is a known mechanism of disease. Based on the available evidence, this variant is classified as Likely Pathogenic.

Labcorp Genetics (formerly Invitae), Labcorp
Classification: Likely pathogenic for Familial cancer of breast; Fanconi anemia complementation group J. Last evaluated: 2020-12-31. Review status: criteria provided, single submitter. Criteria: Invitae Variant Classification Sherloc (09022015). Collection method: clinical testing. Allele origin: germline.
Comment: In summary, the currently available evidence indicates that the variant is pathogenic, but additional data are needed to prove that conclusively. Therefore, this variant has been classified as Likely Pathogenic. Algorithms developed to predict the effect of sequence changes on RNA splicing suggest that this variant may disrupt the consensus splice site, but this prediction has not been confirmed by published transcriptional studies. This variant has not been reported in the literature in individuals with BRIP1-related conditions. ClinVar contains an entry for this variant (Variation ID: 629051). This variant is not present in population databases (ExAC no frequency). This sequence change affects a donor splice site in intron 4 of the BRIP1 gene. It is expected to disrupt RNA splicing. Variants that disrupt the donor or acceptor splice site typically lead to a loss of protein function (PMID: 16199547), and loss-of-function variants in BRIP1 are known to be pathogenic (PMID: 16116423, 17033622, 21964575).

Literature cited by the submitters: PubMed 26315354 (cited by Color Diagnostics, LLC DBA Color Health); PubMed 16199547 (cited by Labcorp Genetics (formerly Invitae), Labcorp); PubMed 16116423 (cited by Labcorp Genetics (formerly Invitae), Labcorp); PubMed 17033622 (cited by Labcorp Genetics (formerly Invitae), Labcorp); PubMed 21964575 (cited by Labcorp Genetics (formerly Invitae), Labcorp).